The following is an entry in ClinVar:

ClinVar aggregate classification (germline): Uncertain significance. Review status: criteria provided, multiple submitters, no conflicts (2 of 4 stars). 3 submissions from 3 submitters: Uncertain significance (3). Last evaluated 2024-03-18.

Conditions:
Hereditary cancer-predisposing syndrome. Also called: Hereditary Cancer Syndrome; Hereditary neoplastic syndrome; Neoplastic Syndromes, Hereditary; Tumor predisposition. Identifiers: Orphanet 140162, MedGen C0027672, MeSH D009386, MONDO:0015356.
Familial cancer of breast. Also called: BREAST CANCER, FAMILIAL; hereditary breast carcinoma; Hereditary breast cancer. Identifiers: Orphanet 227535, MedGen C0346153, MONDO:0016419, OMIM 114480. Disease mechanism: loss of function.
Hereditary breast ovarian cancer syndrome. Also called: Hereditary breast and ovarian cancer; BRCA1- and BRCA2-Associated Hereditary Breast and Ovarian Cancer; Hereditary breast and ovarian cancer syndrome (HBOC); Hereditary breast and ovarian cancer syndrome; Breast and ovarian cancer; Hereditary breast and/or ovarian cancer syndrome. Identifiers: Orphanet 145, MedGen C0677776, MeSH D061325, MONDO:0003582. Disease mechanism: loss of function.

Submissions (3):

Labcorp Genetics (formerly Invitae), Labcorp
Classification: Uncertain significance for Hereditary breast ovarian cancer syndrome. Last evaluated: 2024-03-18. Review status: criteria provided, single submitter. Criteria: Invitae Variant Classification Sherloc (09022015). Collection method: clinical testing. Allele origin: germline.
Comment: This sequence change replaces aspartic acid, which is acidic and polar, with glutamic acid, which is acidic and polar, at codon 3261 of the BRCA2 protein (p.Asp3261Glu). This variant is not present in population databases (gnomAD no frequency). This missense change has been observed in individual(s) with breast cancer (PMID: 16875939). ClinVar contains an entry for this variant (Variation ID: 1768181). Advanced modeling of protein sequence and biophysical properties (such as structural, functional, and spatial information, amino acid conservation, physicochemical variation, residue mobility, and thermodynamic stability) performed at Invitae indicates that this missense variant is not expected to disrupt BRCA2 protein function with a negative predictive value of 95%. In summary, the available evidence is currently insufficient to determine the role of this variant in disease. Therefore, it has been classified as a Variant of Uncertain Significance.

Baylor Genetics
Classification: Uncertain significance for Familial cancer of breast. Last evaluated: 2023-10-06. Review status: criteria provided, single submitter. Criteria: ACMG Guidelines, 2015. Collection method: clinical testing. Allele origin: unknown.

Ambry Genetics
Classification: Uncertain significance for Hereditary cancer-predisposing syndrome. Last evaluated: 2020-12-03. Review status: criteria provided, single submitter. Criteria: Ambry Variant Classification Scheme 2023. Collection method: clinical testing. Allele origin: germline.
Comment: The p.D3261E variant (also known as c.9783C>G), located in coding exon 26 of the BRCA2 gene, results from a C to G substitution at nucleotide position 9783. The aspartic acid at codon 3261 is replaced by glutamic acid, an amino acid with highly similar properties. This amino acid position is well conserved in available vertebrate species. In addition, this alteration is predicted to be tolerated by in silico analysis. Since supporting evidence is limited at this time, the clinical significance of this alteration remains unclear.

Literature cited by the submitters: PubMed 16875939 (cited by Labcorp Genetics (formerly Invitae), Labcorp).

NM_000059.4(BRCA2):c.9783C>G (p.Asp3261Glu)

Gene: BRCA2 (BRCA2 DNA repair associated; plus strand). Cytogenetic location: 13q13.1.
Variant type: single nucleotide variant.
Coding change: c.9783C>G on transcript NM_000059.4 (MANE Select); coding-DNA position 9783, C replaced by G.
Protein change: p.Asp3261Glu; replaces aspartic acid 3261 with glutamic acid.
Molecular consequence: missense variant.
Genome position (GRCh38, 1-based): chr13:32,398,296, C>G. VCF-style: chr13-32398296-C-G. GRCh37 (hg19) VCF-style: chr13-32972433-C-G.
Other names: c.9687C>G, p.Asp3229Glu (NM_001406719.1); c.9732C>G, p.Asp3244Glu (NM_001406720.1); c.4851C>G, p.Asp1617Glu (NM_001406721.1); c.3366C>G, p.Asp1122Glu (NM_001406722.1); short protein forms D1122E, D3229E, D1617E, D3244E, D3261E.
Identifiers: ClinVar variation 1768181 (VCV001768181.5), dbSNP rs876658661, ClinGen allele CA387765929.